The following is an entry in ClinVar:

ClinVar aggregate classification (germline): Uncertain significance. Review status: criteria provided, multiple submitters, no conflicts (2 of 4 stars). 2 submissions from 2 submitters: Uncertain significance (2). Last evaluated 2025-04-10.

Conditions:
Inborn genetic diseases. Identifiers: MedGen C0950123, MeSH D030342.

Submissions (2):

Ambry Genetics
Classification: Uncertain significance for Inborn genetic diseases. Last evaluated: 2025-04-10. Review status: criteria provided, single submitter. Criteria: Ambry Variant Classification Scheme 2023. Collection method: clinical testing. Allele origin: germline.

GeneDx
Classification: Uncertain significance. Last evaluated: 2018-11-20. Review status: criteria provided, single submitter. Criteria: GeneDx Variant Classification Process June 2021. Collection method: clinical testing. Allele origin: germline. Affected: yes.
Comment: In silico analysis, which includes protein predictors and evolutionary conservation, supports a deleterious effect; Has not been previously published as pathogenic or benign to our knowledge

NM_001372044.2(SHANK3):c.4261C>A (p.Pro1421Thr)

Gene: SHANK3 (SH3 and multiple ankyrin repeat domains 3; plus strand). Cytogenetic location: 22q13.33.
Variant type: single nucleotide variant.
Coding change: c.4261C>A on transcript NM_001372044.2 (MANE Select); coding-DNA position 4261, C replaced by A.
Protein change: p.Pro1421Thr; replaces proline 1421 with threonine.
Molecular consequence: missense variant.
Genome position (GRCh38, 1-based): chr22:50,721,869, C>A. VCF-style: chr22-50721869-C-A. GRCh37 (hg19) VCF-style: chr22-51160297-C-A.
Other names: c.4036C>A (NM_033517.1); short protein forms P1421T.
Identifiers: ClinVar variation 1304332 (VCV001304332.3), dbSNP rs752824629, ClinGen allele CA325579755.